The following is an entry in ClinVar:

ClinVar aggregate classification (germline): Benign/Likely benign. Review status: criteria provided, multiple submitters, no conflicts (2 of 4 stars). 3 submissions from 3 submitters: Benign (1); Likely benign (2). Last evaluated 2024-10-25.

Conditions:
Hereditary cancer-predisposing syndrome. Also called: Hereditary Cancer Syndrome; Neoplastic Syndromes, Hereditary; Hereditary neoplastic syndrome; Tumor predisposition. Identifiers: Orphanet 140162, MedGen C0027672, MeSH D009386, MONDO:0015356.
Familial melanoma. Also called: Hereditary melanoma; Hereditary cutaneous melanoma. Identifiers: Orphanet 618, MedGen C1512419, MONDO:0018961.
Melanoma, cutaneous malignant, susceptibility to, 3. Also called: Cutaneous malignant melanoma 3. Identifiers: Orphanet 618, MedGen C1836892, MONDO:0012183, OMIM 609048.

Submissions (3):

Ambry Genetics
Classification: Likely benign for Hereditary cancer-predisposing syndrome. Last evaluated: 2024-10-25. Review status: criteria provided, single submitter. Criteria: Ambry Variant Classification Scheme 2023. Collection method: clinical testing. Allele origin: germline.

Myriad Genetics, Inc.
Classification: Benign for Melanoma, cutaneous malignant, susceptibility to, 3. Last evaluated: 2024-09-24. Review status: criteria provided, single submitter. Criteria: Myriad Autosomal Dominant, Autosomal Recessive and X-Linked Classification Criteria (2023). Collection method: clinical testing. Allele origin: unknown.
Comment: This variant is considered benign. This variant is a silent/synonymous amino acid change and it is not expected to impact splicing.

Labcorp Genetics (formerly Invitae), Labcorp
Classification: Likely benign for Familial melanoma. Last evaluated: 2024-04-10. Review status: criteria provided, single submitter. Criteria: Invitae Variant Classification Sherloc (09022015). Collection method: clinical testing. Allele origin: germline.

NM_000075.4(CDK4):c.117C>T (p.Val39=)

Gene: CDK4 (cyclin dependent kinase 4; minus strand). Cytogenetic location: 12q14.1.
Variant type: single nucleotide variant.
Coding change: c.117C>T on transcript NM_000075.4 (MANE Select); coding-DNA position 117, C replaced by T.
Protein change: p.Val39=; no amino-acid change (valine 39 retained).
Molecular consequence: synonymous variant.
Genome position (GRCh38, 1-based): chr12:57,751,601, G>A on the plus strand (C>T on the coding strand, the complement: CDK4 is on the minus strand). VCF-style: chr12-57751601-G-A. GRCh37 (hg19) VCF-style: chr12-58145384-G-A.
Other names: c.117C>T (NM_000075.3).
Identifiers: ClinVar variation 1621028 (VCV001621028.10), dbSNP rs1595111112, ClinGen allele CA480404885.
Genomic context (GRCh38, chr12:57,751,601, plus strand): 5'-TAAAGCCACCTCACGAACTGTGCTGATGGGAAGGCCTCCTCCACCTCCTCCTCCATTGGG[G>A]ACTCTCACACTCTTGAGGGCCACAAAGTGGCCACTGTGGGGATCACGGGCCTTGTACACT-3'
Protein context (NP_000066.1, residues 29-49): GHFVALKSVR[Val39=]PNGGGGGGGL